The following is an entry in ClinVar:

NM_002860.4(ALDH18A1):c.1834T>C (p.Cys612Arg)

Gene: ALDH18A1 (aldehyde dehydrogenase 18 family member A1; minus strand). Cytogenetic location: 10q24.1.
Variant type: single nucleotide variant.
Coding change: c.1834T>C on transcript NM_002860.4 (MANE Select); coding-DNA position 1834, T replaced by C.
Protein change: p.Cys612Arg; replaces cysteine 612 with arginine.
Molecular consequence: missense variant.
Genome position (GRCh38, 1-based): chr10:95,613,831, A>G on the plus strand (T>C on the coding strand, the complement: ALDH18A1 is on the minus strand). VCF-style: chr10-95613831-A-G. GRCh37 (hg19) VCF-style: chr10-97373588-A-G.
Other names: c.1828T>C, p.Cys610Arg (NM_001017423.2, NM_001323415.2); c.1501T>C, p.Cys501Arg (NM_001323412.2, NM_001323416.2); c.1834T>C, p.Cys612Arg (NM_001323413.2, NM_001323414.2); c.1729T>C, p.Cys577Arg (NM_001323417.2); c.1495T>C, p.Cys499Arg (NM_001323418.2); c.1198T>C, p.Cys400Arg (NM_001323419.2); short protein forms C400R, C499R, C501R, C577R, C610R, C612R.
Identifiers: ClinVar variation 1703118 (VCV001703118.3), dbSNP rs2526726074, ClinGen allele CA377700397.

ClinVar aggregate classification (germline): Uncertain significance (1 of 4 stars; one submission).

Allele frequency attached by ClinVar (database versions not stated): gnomAD exomes below 0.00001.
gnomAD v4.1: 1 of 1,614,206 alleles (0.000062%); highest among the groups gnomAD compares: East Asian, 0.0022%; no homozygotes.

Submission:

Greenwood Genetic Center Diagnostic Laboratories, Greenwood Genetic Center
Classification: Uncertain significance. Last evaluated: 2022-04-12. Review status: criteria provided, single submitter. Criteria: ACMG Guidelines, 2015. Collection method: clinical testing. Allele origin: germline. Affected: yes.
Comment: PM2, PP3